The following is an entry in ClinVar:

ClinVar aggregate classification (germline): Likely benign (1 of 4 stars; one submission).

Conditions:
H syndrome. Also called: FAISALABAD HISTIOCYTOSIS; HISTIOCYTOSIS AND LYMPHADENOPATHY WITH OR WITHOUT CUTANEOUS, CARDIAC, AND/OR ENDOCRINE FEATURES, JOINT CONTRACTURES, AND/OR DEAFNESS; HYPERPIGMENTATION, CUTANEOUS, WITH HYPERTRICHOSIS, HEPATOSPLENOMEGALY, HEART ANOMALIES, AND HYPOGONADISM WITH OR WITHOUT HEARING LOSS; PIGMENTED HYPERTRICHOSIS WITH INSULIN-DEPENDENT DIABETES MELLITUS; ROSAI-DORFMAN DISEASE, FAMILIAL; SINUS HISTIOCYTOSIS AND MASSIVE LYMPHADENOPATHY. Identifiers: Orphanet 168569, MedGen C1864445, MONDO:0011273, OMIM 602782.

Allele frequency attached by ClinVar (database versions not stated): gnomAD exomes 0.00017 and 0.00048; ExAC 0.00098; gnomAD 0.00170 and 0.00183; TOPMed 0.00187; 1000 Genomes Project 0.00220; 1000 Genomes Project 30x 0.00250.
gnomAD v4.1: 499 of 1,575,938 alleles (0.032%); highest among the groups gnomAD compares: African/African-American, 0.58%; 1 homozygote.

Submission:

Illumina Laboratory Services, Illumina
Classification: Likely benign for H syndrome. Last evaluated: 2018-01-12. Review status: criteria provided, single submitter. Criteria: ICSL Variant Classification Criteria 13 December 2019. Collection method: clinical testing. Allele origin: germline.
Comment: This variant was observed in the ICSL laboratory as part of a predisposition screen in an ostensibly healthy population. It had not been previously curated by ICSL or reported in the Human Gene Mutation Database (HGMD: prior to June 1st, 2018), and was therefore a candidate for classification through an automated scoring system. Utilizing variant allele frequency, disease prevalence and penetrance estimates, and inheritance mode, an automated score was calculated to assess if this variant is too frequent to cause the disease. Based on the score and internal cut-off values, a variant classified as likely benign is not then subjected to further curation. The score for this variant resulted in a classification of likely benign for this disease.

NM_018344.6(SLC29A3):c.*85G>A

Gene: SLC29A3 (solute carrier family 29 member 3; plus strand). Cytogenetic location: 10q22.1.
Variant type: single nucleotide variant.
Coding change: c.*85G>A on transcript NM_018344.6 (MANE Select); 85 bases downstream of the stop codon, G replaced by A.
Molecular consequence: 3 prime UTR variant. On other transcripts: non-coding transcript variant (2).
Genome position (GRCh38, 1-based): chr10:71,362,693, G>A. VCF-style: chr10-71362693-G-A. GRCh37 (hg19) VCF-style: chr10-73122450-G-A.
Other names: c.*742G>A (NM_001174098.2); c.*85G>A (NM_001363518.2).
Identifiers: ClinVar variation 300372 (VCV000300372.5), dbSNP rs115915981, ClinGen allele CA5543214.